The following is an entry in ClinVar:

NM_000384.3(APOB):c.966C>T (p.Ala322=)

Gene: APOB (apolipoprotein B; minus strand). Cytogenetic location: 2p24.1.
Variant type: single nucleotide variant.
Coding change: c.966C>T on transcript NM_000384.3 (MANE Select); coding-DNA position 966, C replaced by T.
Protein change: p.Ala322=; no amino-acid change (alanine 322 retained).
Molecular consequence: synonymous variant.
Genome position (GRCh38, 1-based): chr2:21,033,457, G>A on the plus strand (C>T on the coding strand, the complement: APOB is on the minus strand). VCF-style: chr2-21033457-G-A. GRCh37 (hg19) VCF-style: chr2-21256329-G-A.
Identifiers: ClinVar variation 630358 (VCV000630358.17), dbSNP rs755978246, ClinGen allele CA066748.

ClinVar aggregate classification (germline): Likely benign. Review status: criteria provided, multiple submitters, no conflicts (2 of 4 stars). 4 submissions from 4 submitters: Likely benign (4). Last evaluated 2025-02-11.

Conditions:
Hypercholesterolemia, autosomal dominant, type B (FHCL2). Also called: APOB-Related Familial Hypercholesterolemia, Autosomal Dominant; Hyperlipoproteinemia Type IIb; Familial Hypercholesterolemia Type B; APOLIPOPROTEIN B-100, FAMILIAL DEFECTIVE; APOLIPOPROTEIN B-100, FAMILIAL LIGAND-DEFECTIVE; Familial hypercholesterolemia 2. Identifiers: MedGen C1704417, MONDO:0007751, OMIM 144010.
Familial hypobetalipoproteinemia 1. Also called: APOB-Related Familial Hypobetalipoproteinemia; Hypobetalipoproteinemia, normotriglyceridemic; Acanthocytosis with hypobetalipoproteinemia. Identifiers: MedGen C4551990, MONDO:0014252, OMIM 615558.
Cardiovascular phenotype. Identifiers: MedGen CN230736.
Familial hypercholesterolemia. Also called: Familial hypercholesterolemias; Familial hypercholesterolaemia. Identifiers: MedGen C0020445, MONDO:0005439.

Allele frequency attached by ClinVar (database versions not stated): gnomAD exomes 0.00004; TOPMed 0.00004; gnomAD 0.00006 and 0.00007.
gnomAD v4.1: 85 of 1,613,816 alleles (0.0053%); highest among the groups gnomAD compares: Middle Eastern, 0.016%; 1 homozygote.

Submissions (4):

Quest Diagnostics Nichols Institute San Juan Capistrano
Classification: Likely benign. Last evaluated: 2025-02-11. Review status: criteria provided, single submitter. Criteria: Quest Diagnostics criteria. Collection method: clinical testing. Allele origin: unknown.

Labcorp Genetics (formerly Invitae), Labcorp
Classification: Likely benign for Familial hypobetalipoproteinemia 1; Hypercholesterolemia, autosomal dominant, type B. Last evaluated: 2024-08-11. Review status: criteria provided, single submitter. Criteria: Invitae Variant Classification Sherloc (09022015). Collection method: clinical testing. Allele origin: germline.

GENinCode PLC
Classification: Likely benign for Familial hypercholesterolemia. Last evaluated: 2023-12-06. Review status: criteria provided, single submitter. Criteria: ACMG Guidelines, 2015. Collection method: clinical testing. Allele origin: germline.
Comment: This is a synonymous (silent) variant that is not predicted by SpliceAI to impact splicing. In addition, it occurs at a nucleotide that is not conserved. Therefore this variant has been classified as Likely Benign (BP4, BP7).

Ambry Genetics
Classification: Likely benign for Cardiovascular phenotype. Last evaluated: 2018-12-03. Review status: criteria provided, single submitter. Criteria: Ambry Variant Classification Scheme 2023. Collection method: clinical testing. Allele origin: germline.